The following is an entry in ClinVar:

ClinVar aggregate classification (germline): Uncertain significance. Review status: criteria provided, multiple submitters, no conflicts (2 of 4 stars). 2 submissions from 2 submitters: Uncertain significance (2). Last evaluated 2025-01-08.

Conditions:
Developmental and epileptic encephalopathy. Identifiers: MedGen C5779964, MONDO:0100620.

Allele frequency attached by ClinVar (database versions not stated): gnomAD 0.00002 and 0.00004; TOPMed 0.00003; ExAC 0.00005; ESP Exome Variant Server 0.00008.
gnomAD v4.1: 13 of 1,613,854 alleles (0.00081%); highest among the groups gnomAD compares: African/African-American, 0.004%; no homozygotes.

Submissions (2):

GeneDx
Classification: Uncertain significance. Last evaluated: 2025-01-08. Review status: criteria provided, single submitter. Criteria: GeneDx Variant Classification Process June 2021. Collection method: clinical testing. Allele origin: germline. Affected: yes.
Comment: Not observed at significant frequency in large population cohorts (gnomAD); In silico analysis indicates that this missense variant does not alter protein structure/function; Has not been previously published as pathogenic or benign to our knowledge

Labcorp Genetics (formerly Invitae), Labcorp
Classification: Uncertain significance for Early-infantile DEE. Last evaluated: 2022-04-13. Review status: criteria provided, single submitter. Criteria: Invitae Variant Classification Sherloc (09022015). Collection method: clinical testing. Allele origin: germline.
Comment: This sequence change replaces arginine, which is basic and polar, with glutamine, which is neutral and polar, at codon 296 of the ST3GAL3 protein (p.Arg296Gln). This variant is present in population databases (rs137939894, gnomAD 0.01%). This variant has not been reported in the literature in individuals affected with ST3GAL3-related conditions. ClinVar contains an entry for this variant (Variation ID: 450214). Algorithms developed to predict the effect of missense changes on protein structure and function are either unavailable or do not agree on the potential impact of this missense change (SIFT: "Tolerated"; PolyPhen-2: "Possibly Damaging"; Align-GVGD: "Class C0"). In summary, the available evidence is currently insufficient to determine the role of this variant in disease. Therefore, it has been classified as a Variant of Uncertain Significance.

NM_006279.5(ST3GAL3):c.887G>A (p.Arg296Gln)

Gene: ST3GAL3 (ST3 beta-galactoside alpha-2,3-sialyltransferase 3; plus strand). Cytogenetic location: 1p34.1.
Variant type: single nucleotide variant.
Coding change: c.887G>A on transcript NM_006279.5 (MANE Select); coding-DNA position 887, G replaced by A.
Protein change: p.Arg296Gln; replaces arginine 296 with glutamine.
Molecular consequence: missense variant. On other transcripts: non-coding transcript variant (6), intron variant (11).
Genome position (GRCh38, 1-based): chr1:43,920,546, G>A. VCF-style: chr1-43920546-G-A. GRCh37 (hg19) VCF-style: chr1-44386218-G-A.
Other names: c.797G>A, p.Arg266Gln (NM_001270459.2); c.794G>A, p.Arg265Gln (NM_001270460.2); c.932G>A, p.Arg311Gln (NM_001350619.2, NM_174964.4); c.887G>A, p.Arg296Gln (NM_001350620.2); c.608G>A, p.Arg203Gln (NM_001350621.2); c.1094G>A, p.Arg365Gln (NM_174963.5); c.1049G>A, p.Arg350Gln (NM_174968.5); c.839G>A, p.Arg280Gln (NM_174969.4); and 12 more; short protein forms R296Q, R365Q, R280Q, R203Q, R311Q, R265Q, R266Q, R334Q.
Identifiers: ClinVar variation 450214 (VCV000450214.6), dbSNP rs137939894, ClinGen allele CA814828.